The following is an entry in ClinVar:

ClinVar aggregate classification (germline): Likely benign. Review status: criteria provided, multiple submitters, no conflicts (2 of 4 stars). 7 submissions from 7 submitters: Likely benign (6). 1 of the submissions does not count toward it. Last evaluated 2025-09-14.

Conditions:
Hereditary cancer-predisposing syndrome. Also called: Tumor predisposition; Neoplastic Syndromes, Hereditary; Hereditary Cancer Syndrome; Hereditary neoplastic syndrome. Identifiers: Orphanet 140162, MedGen C0027672, MeSH D009386, MONDO:0015356.
Hereditary breast ovarian cancer syndrome. Also called: Hereditary breast and ovarian cancer; Hereditary breast and ovarian cancer syndrome (HBOC); Hereditary breast and/or ovarian cancer syndrome; Breast and ovarian cancer; Hereditary breast and ovarian cancer syndrome; BRCA1- and BRCA2-Associated Hereditary Breast and Ovarian Cancer. Identifiers: Orphanet 145, MedGen C0677776, MeSH D061325, MONDO:0003582. Disease mechanism: loss of function.
Breast-ovarian cancer, familial, susceptibility to, 2 (BROVCA2). Also called: BRCA2 Hereditary Breast and Ovarian Cancer. Identifiers: Orphanet 145, MedGen C2675520, MONDO:0012933, OMIM 612555. Disease mechanism: loss of function.

Allele frequency attached by ClinVar (database versions not stated): TOPMed 0.00001.
gnomAD v4.1: 4 of 1,602,940 alleles (0.00025%); highest among the groups gnomAD compares: Admixed American, 0.0051%; no homozygotes.

Submissions (7):

Labcorp Genetics (formerly Invitae), Labcorp
Classification: Likely benign for Hereditary breast ovarian cancer syndrome. Last evaluated: 2025-09-14. Review status: criteria provided, single submitter. Criteria: Invitae Variant Classification Sherloc (09022015). Collection method: clinical testing. Allele origin: germline.

Center for Genomic Medicine, Rigshospitalet, Copenhagen University Hospital
Classification: Likely benign. Last evaluated: 2025-03-04. Review status: criteria provided, single submitter. Criteria: ACMG Guidelines, 2015. Collection method: clinical testing. Allele origin: germline.

All of Us Research Program, National Institutes of Health
Classification: Likely benign for Breast-ovarian cancer, familial, susceptibility to, 2. Last evaluated: 2023-04-27. Review status: criteria provided, single submitter. Criteria: ACMG Guidelines, 2015. Collection method: clinical testing. Allele origin: germline. Inheritance: Autosomal dominant inheritance. Observed: 2 variant alleles, 2 heterozygotes.
Comment: This study involves interpretation of variants in research participants for the purpose of population health screening. Participant phenotype was not available at the time of variant classification. Additional details can be found in publication PMID: 35346344, PMCID: PMC8962531

Mendelics
Classification: Likely benign for Breast-ovarian cancer, familial, susceptibility to, 2. Last evaluated: 2019-05-28. Review status: criteria provided, single submitter. Criteria: Mendelics Assertion Criteria 2017. Collection method: clinical testing. Allele origin: unknown.

Color Diagnostics, LLC DBA Color Health
Classification: Likely benign for Hereditary cancer-predisposing syndrome. Last evaluated: 2016-06-07. Review status: criteria provided, single submitter. Criteria: ACMG Guidelines, 2015. Collection method: clinical testing. Allele origin: germline.

Ambry Genetics
Classification: Likely benign for Hereditary cancer-predisposing syndrome. Last evaluated: 2015-11-08. Review status: criteria provided, single submitter. Criteria: Ambry Variant Classification Scheme 2023. Collection method: clinical testing. Allele origin: germline.

Cancer Genetics and Genomics Laboratory, British Columbia Cancer Agency
Classification: Uncertain significance for Hereditary breast ovarian cancer syndrome. Last evaluated: 2016-04-14. Review status: no assertion criteria provided. Collection method: clinical testing. Allele origin: germline. Study: The Canadian Open Genetics Repository (COGR). Not counted in ClinVar's aggregate classification.

NM_000059.4(BRCA2):c.3786A>T (p.Ser1262=)

Gene: BRCA2 (BRCA2 DNA repair associated; plus strand). Cytogenetic location: 13q13.1.
Variant type: single nucleotide variant.
Coding change: c.3786A>T on transcript NM_000059.4 (MANE Select); coding-DNA position 3786, A replaced by T.
Protein change: p.Ser1262=; no amino-acid change (serine 1262 retained).
Molecular consequence: synonymous variant.
Genome position (GRCh38, 1-based): chr13:32,338,141, A>T. VCF-style: chr13-32338141-A-T. GRCh37 (hg19) VCF-style: chr13-32912278-A-T.
Identifiers: ClinVar variation 415629 (VCV000415629.20), dbSNP rs1042077901, ClinGen allele CA16614296.